The following is an entry in ClinVar:

ClinVar aggregate classification (germline): Uncertain significance (1 of 4 stars; one submission).

Submission:

Ambry Genetics
Classification: Uncertain significance. Last evaluated: 2021-12-10. Review status: criteria provided, single submitter. Criteria: Ambry Variant Classification Scheme 2023. Collection method: clinical testing. Allele origin: germline.
Comment: The p.E332D variant (also known as c.996G>T), located in coding exon 7 of the POLQ gene, results from a G to T substitution at nucleotide position 996. The glutamic acid at codon 332 is replaced by aspartic acid, an amino acid with highly similar properties. This amino acid position is conserved. In addition, the in silico prediction for this alteration is inconclusive. Since supporting evidence is limited at this time, the clinical significance of this alteration remains unclear.

NM_199420.4(POLQ):c.996G>T (p.Glu332Asp)

Gene: POLQ (DNA polymerase theta; minus strand). Cytogenetic location: 3q13.33.
Variant type: single nucleotide variant.
Coding change: c.996G>T on transcript NM_199420.4 (MANE Select); coding-DNA position 996, G replaced by T.
Protein change: p.Glu332Asp; replaces glutamic acid 332 with aspartic acid.
Molecular consequence: missense variant.
Genome position (GRCh38, 1-based): chr3:121,529,757, C>A on the plus strand (G>T on the coding strand, the complement: POLQ is on the minus strand). VCF-style: chr3-121529757-C-A. GRCh37 (hg19) VCF-style: chr3-121248604-C-A.
Other names: short protein forms E332D.
Identifiers: ClinVar variation 1768769 (VCV001768769.2), dbSNP rs2546817070, ClinGen allele CA354124810.
Genomic context (GRCh38, chr3:121,529,757, plus strand): 5'-CTTCTCACACCATTTCTTTGATGGACAAAAAAGTAATACTGAATGGTTATCACAAATCGT[C>A]TCATAACATAAACTAACAACATGGTCCTCATCTCCCTAAAACAGAAAGATAAATAACCAC-3'
Protein context (NP_955452.3, residues 322-342): DEDHVVSLCY[Glu332Asp]TICDNHSVLL